The following is an entry in ClinVar:

ClinVar aggregate classification (germline): Benign/Likely benign. Review status: criteria provided, multiple submitters, no conflicts (2 of 4 stars). 3 submissions from 3 submitters: Benign (1); Likely benign (2). Last evaluated 2018-03-29.

Conditions:
White sponge nevus 1. Also called: LEUKOKERATOSIS, HEREDITARY MUCOSAL. Identifiers: MedGen C4011926, MONDO:0008676, OMIM 193900.

Allele frequency attached by ClinVar (database versions not stated): ExAC 0.00010; gnomAD 0.00011 and 0.00012; gnomAD exomes 0.00011 and 0.00012; TOPMed 0.00014.
gnomAD v4.1: 183 of 1,614,174 alleles (0.011%); highest among the groups gnomAD compares: Middle Eastern, 0.61%; no homozygotes.

Submissions (3):

Labcorp Genetics (formerly Invitae), Labcorp
Classification: Likely benign. Last evaluated: 2018-03-29. Review status: criteria provided, single submitter. Criteria: Invitae Variant Classification Sherloc (09022015). Collection method: clinical testing. Allele origin: germline.

Illumina Laboratory Services, Illumina
Classification: Benign for White sponge nevus 1. Last evaluated: 2018-01-12. Review status: criteria provided, single submitter. Criteria: ICSL Variant Classification Criteria 13 December 2019. Collection method: clinical testing. Allele origin: germline.
Comment: This variant was observed in the ICSL laboratory as part of a predisposition screen in an ostensibly healthy population. It had not been previously curated by ICSL or reported in the Human Gene Mutation Database (HGMD: prior to June 1st, 2018), and was therefore a candidate for classification through an automated scoring system. Utilizing variant allele frequency, disease prevalence and penetrance estimates, and inheritance mode, an automated score was calculated to assess if this variant is too frequent to cause the disease. Based on the score and internal cut-off values, a variant classified as benign is not then subjected to further curation. The score for this variant resulted in a classification of benign for this disease.

Breakthrough Genomics
Classification: Likely benign. Review status: criteria provided, single submitter. Criteria: ACMG Guidelines, 2015. Collection method: not provided. Allele origin: germline. Inheritance: Autosomal dominant inheritance. Affected: yes.

NM_002272.4(KRT4):c.873C>T (p.Ser291=)

Gene: KRT4 (keratin 4; minus strand). Cytogenetic location: 12q13.13.
Variant type: single nucleotide variant.
Coding change: c.873C>T on transcript NM_002272.4 (MANE Select); coding-DNA position 873, C replaced by T.
Protein change: p.Ser291=; no amino-acid change (serine 291 retained).
Molecular consequence: synonymous variant.
Genome position (GRCh38, 1-based): chr12:52,808,812, G>A on the plus strand (C>T on the coding strand, the complement: KRT4 is on the minus strand). VCF-style: chr12-52808812-G-A. GRCh37 (hg19) VCF-style: chr12-53202596-G-A.
Identifiers: ClinVar variation 309679 (VCV000309679.9), dbSNP rs754647771, ClinGen allele CA6588564.
Genomic context (GRCh38, chr12:52,808,812, plus strand): 5'-GACCTCGGCAATAATGCTGTCCAGGTCCAGGTTGCGGTTGTTGTCCATGGAAAGGACCAC[G>A]GACGTGTCGCTGACATGGGTCTGCATCTGGGACAGCTCCTGCAGGGCAAATGTCTCACAT-3'
Protein context (NP_002263.3, residues 281-301): SQMQTHVSDT[Ser291=]VVLSMDNNRN